The following is an entry in ClinVar:

ClinVar aggregate classification (germline): Conflicting classifications of pathogenicity. Review status: criteria provided, conflicting classifications (1 of 4 stars). 2 submissions from 2 submitters: Likely pathogenic (1); Uncertain significance (1). Last evaluated 2025-10-02.

Conditions:
Microcephaly, normal intelligence and immunodeficiency (NBS). Also called: Ataxia telangiectasia variant V1; IMMUNODEFICIENCY, MICROCEPHALY, AND CHROMOSOMAL INSTABILITY; Nijmegen breakage syndrome; Microcephaly with normal intelligence immunodeficiency and lymphoreticular malignancies; Nonsyndromal microcephaly autosomal recessive with normal intelligence; Seemanova syndrome 2. Identifiers: Orphanet 647, MedGen C0398791, MONDO:0009623, OMIM 251260.

Allele frequency attached by ClinVar (database versions not stated): gnomAD exomes below 0.00001; ExAC 0.00001.

Submissions (2):

Myriad Genetics, Inc.
Classification: Uncertain significance for Microcephaly, normal intelligence and immunodeficiency. Last evaluated: 2025-10-02. Review status: criteria provided, single submitter. Criteria: Myriad Autosomal Dominant, Autosomal Recessive and X-Linked Classification Criteria (2023). Collection method: clinical testing. Allele origin: unknown.
Comment: NM_002485.4(NBN):c.2071-2A>C is a variant in a canonical splice site classified as a variant of uncertain significance in the context of Nijmegen breakage syndrome. c.2071-2A>C has not been observed in cases with relevant disease. Relevant functional assessments of this variant are not available in the literature. c.2071-2A>C has been observed in referenced population frequency databases. In summary, there is insufficient evidence to classify NM_002485.4(NBN):c.2071-2A>C as pathogenic or benign. Please note: this variant was assessed in the context of healthy population screening.

Labcorp Genetics (formerly Invitae), Labcorp
Classification: Likely pathogenic for Microcephaly, normal intelligence and immunodeficiency. Last evaluated: 2024-04-17. Review status: criteria provided, single submitter. Criteria: Invitae Variant Classification Sherloc (09022015). Collection method: clinical testing. Allele origin: germline.
Comment: This sequence change affects an acceptor splice site in intron 13 of the NBN gene. It is expected to disrupt RNA splicing. Variants that disrupt the donor or acceptor splice site typically lead to a loss of protein function (PMID: 16199547), and loss-of-function variants in NBN are known to be pathogenic (PMID: 9590180, 16415040). This variant is present in population databases (rs775397477, gnomAD 0.0009%). This variant has not been reported in the literature in individuals affected with NBN-related conditions. ClinVar contains an entry for this variant (Variation ID: 530763). Algorithms developed to predict the effect of sequence changes on RNA splicing suggest that this variant may disrupt the consensus splice site. In summary, the currently available evidence indicates that the variant is pathogenic, but additional data are needed to prove that conclusively. Therefore, this variant has been classified as Likely Pathogenic.

Literature cited by the submitters: PubMed 16199547 (cited by Labcorp Genetics (formerly Invitae), Labcorp); PubMed 9590180 (cited by Labcorp Genetics (formerly Invitae), Labcorp); PubMed 16415040 (cited by Labcorp Genetics (formerly Invitae), Labcorp).

NM_002485.5(NBN):c.2071-2A>C

Gene: NBN (nibrin; minus strand). Cytogenetic location: 8q21.3.
Variant type: single nucleotide variant.
Coding change: c.2071-2A>C on transcript NM_002485.5 (MANE Select); the canonical splice acceptor site of the intron before coding-DNA position 2071, A replaced by C.
Molecular consequence: splice acceptor variant.
Genome position (GRCh38, 1-based): chr8:89,943,368, T>G on the plus strand (A>C on the coding strand, the complement: NBN is on the minus strand). VCF-style: chr8-89943368-T-G. GRCh37 (hg19) VCF-style: chr8-90955596-T-G.
Other names: c.1825-2A>C (NM_001024688.3).
Identifiers: ClinVar variation 530763 (VCV000530763.8), dbSNP rs775397477, ClinGen allele CA4802608.
Genomic context (GRCh38, chr8:89,943,368, plus strand): 5'-GCTATTAGATCTGATCCTCCAATGATGTGTGGAAGTTTTCCTGCTCCAGGATATGTGACC[T>G]ATTGAATAATAAAAGTAGTACAGTAAATCATATTAACAAACAAAAATGACCATTTTTTTA-3'